The following is an entry in ClinVar:

NM_001267550.2(TTN):c.78674T>C (p.Ile26225Thr)

Genes: TTN (titin; minus strand), TTN-AS1 (TTN antisense RNA 1; plus strand). Cytogenetic location: 2q31.2.
Variant type: single nucleotide variant.
Coding change: c.78674T>C on transcript NM_001267550.2 (MANE Select); coding-DNA position 78674, T replaced by C.
Protein change: p.Ile26225Thr; replaces isoleucine 26225 with threonine.
Molecular consequence: missense variant.
Genome position (GRCh38, 1-based): chr2:178,567,458, A>G on the plus strand (T>C on the coding strand, the complement: TTN is on the minus strand). VCF-style: chr2-178567458-A-G. GRCh37 (hg19) VCF-style: chr2-179432185-A-G.
Other names: p.I24584T:ATT>ACT; c.73751T>C, p.Ile24584Thr (NM_001256850.1); c.51479T>C, p.Ile17160Thr (NM_003319.4); c.70970T>C, p.Ile23657Thr (NM_133378.4); c.51854T>C, p.Ile17285Thr (NM_133432.3); c.52055T>C, p.Ile17352Thr (NM_133437.4); short protein forms I26225T, I23657T, I24584T, I17160T, I17352T, I17285T.
Identifiers: ClinVar variation 47367 (VCV000047367.40), dbSNP rs12463674, ClinGen allele CA283808.
Genomic context (GRCh38, chr2:178,567,458, plus strand): 5'-GTGTTCTTTATTTCACATCTAGCAGATTCTTCAATTTCCTTATCTCCTCTTAACCACTCA[A>G]TGGTAGGTAGGGGCTTTCCATGGACATCAGCCTCAAGTCTGAATGTTTCTCCAGCATTTA-3'
Protein context (NP_001254479.2, residues 26215-26235): ADVHGKPLPT[Ile26225Thr]EWLRGDKEIE

ClinVar aggregate classification (germline): Benign/Likely benign. Review status: criteria provided, multiple submitters, no conflicts (2 of 4 stars). 26 submissions from 19 submitters: Benign (21); Likely benign (2). 3 of the submissions do not count toward it. Last evaluated 2026-02-04.

Conditions:
Dilated cardiomyopathy 1G (CMD1G). Identifiers: Orphanet 154, MedGen C1858763, MONDO:0011400, OMIM 604145.
Autosomal recessive limb-girdle muscular dystrophy type 2J (LGMDR10). Also called: MUSCULAR DYSTROPHY, LIMB-GIRDLE, AUTOSOMAL RECESSIVE 10; Limb-girdle muscular dystrophy, type 2J. Identifiers: Orphanet 140922, MedGen C1837342, MONDO:0012127, OMIM 608807.
Cardiovascular phenotype. Identifiers: MedGen CN230736.
Early-onset myopathy with fatal cardiomyopathy (CMYO5). Also called: CONGENITAL MYOPATHY 5 WITH CARDIOMYOPATHY; Salih Myopathy. Identifiers: Orphanet 289377, MedGen C2673677, MONDO:0012714, OMIM 611705. Disease mechanism: loss of function.
Myopathy, myofibrillar, 9, with early respiratory failure (MFM9). Also called: Myopathy, distal, with early respiratory failure, autosomal dominant; Hereditary myopathy with early respiratory failure; MYOPATHY, PROXIMAL, WITH EARLY RESPIRATORY MUSCLE INVOLVEMENT; EDSTROM MYOPATHY. Identifiers: Orphanet 178464, Orphanet 34521, MedGen C1863599, MONDO:0011362, OMIM 603689.
Tibial muscular dystrophy (TMD). Also called: Udd Distal Myopathy – Tibial Muscular Dystrophy; Tibial muscular dystrophy, tardive; UDD MYOPATHY. Identifiers: Orphanet 609, MedGen C1838244, MONDO:0010870, OMIM 600334.

Allele frequency attached by ClinVar (database versions not stated): TOPMed 0.18457; gnomAD 0.21393 and 0.21485; ESP Exome Variant Server 0.22586; gnomAD exomes 0.23412; 1000 Genomes Project 0.12999; ExAC 0.23680; 1000 Genomes Project 30x 0.12929.
gnomAD v4.1: 449,606 of 1,612,278 alleles (28%); highest among the groups gnomAD compares: Non-Finnish European, 31%; 68,232 homozygotes.

Submissions (26):

Labcorp Genetics (formerly Invitae), Labcorp
Classification: Benign for Dilated cardiomyopathy 1G; Autosomal recessive limb-girdle muscular dystrophy type 2J. Last evaluated: 2026-02-04. Review status: criteria provided, single submitter. Criteria: Invitae Variant Classification Sherloc (09022015). Collection method: clinical testing. Allele origin: germline.

Molecular Diagnostic Laboratory for Inherited Cardiovascular Disease, Montreal Heart Institute
Classification: Benign. Last evaluated: 2025-04-09. Review status: criteria provided, single submitter. Criteria: ACMG Guidelines, 2015. Collection method: clinical testing. Allele origin: germline. Affected: no.

Blueprint Genetics
Classification: Benign. Last evaluated: 2024-11-26. Review status: criteria provided, single submitter. Criteria: ACMG Guidelines, 2015. Collection method: clinical testing. Allele origin: germline.

Genome-Nilou Lab
Classification: Benign for Autosomal recessive limb-girdle muscular dystrophy type 2J. Last evaluated: 2021-09-10. Review status: criteria provided, single submitter. Criteria: ACMG Guidelines, 2015. Collection method: clinical testing. Allele origin: germline. Affected: no.

Genome-Nilou Lab
Classification: Benign for Myopathy, myofibrillar, 9, with early respiratory failure. Last evaluated: 2021-09-10. Review status: criteria provided, single submitter. Criteria: ACMG Guidelines, 2015. Collection method: clinical testing. Allele origin: germline. Affected: no.

Genome-Nilou Lab
Classification: Benign for Early-onset myopathy with fatal cardiomyopathy. Last evaluated: 2021-09-10. Review status: criteria provided, single submitter. Criteria: ACMG Guidelines, 2015. Collection method: clinical testing. Allele origin: germline. Affected: no.

Genome-Nilou Lab
Classification: Benign for Tibial muscular dystrophy. Last evaluated: 2021-09-10. Review status: criteria provided, single submitter. Criteria: ACMG Guidelines, 2015. Collection method: clinical testing. Allele origin: germline. Affected: no.

Women's Health and Genetics/Laboratory Corporation of America, LabCorp
Classification: Likely benign. Last evaluated: 2020-08-16. Review status: criteria provided, single submitter. Criteria: LabCorp Variant Classification Summary - May 2015. Collection method: clinical testing. Allele origin: germline.

Athena Diagnostics
Classification: Benign. Last evaluated: 2018-11-02. Review status: criteria provided, single submitter. Criteria: Athena Diagnostics Criteria. Collection method: clinical testing. Allele origin: germline.

Illumina Laboratory Services, Illumina
Classification: Benign for Myopathy, myofibrillar, 9, with early respiratory failure. Last evaluated: 2018-01-12. Review status: criteria provided, single submitter. Criteria: ICSL Variant Classification Criteria 13 December 2019. Collection method: clinical testing. Allele origin: germline.
Comment: This variant was observed in the ICSL laboratory as part of a predisposition screen in an ostensibly healthy population. It had not been previously curated by ICSL or reported in the Human Gene Mutation Database (HGMD: prior to June 1st, 2018), and was therefore a candidate for classification through an automated scoring system. Utilizing variant allele frequency, disease prevalence and penetrance estimates, and inheritance mode, an automated score was calculated to assess if this variant is too frequent to cause the disease. Based on the score and internal cut-off values, a variant classified as benign is not then subjected to further curation. The score for this variant resulted in a classification of benign for this disease.

Illumina Laboratory Services, Illumina
Classification: Benign for Tibial muscular dystrophy. Last evaluated: 2018-01-12. Review status: criteria provided, single submitter. Criteria: ICSL Variant Classification Criteria 13 December 2019. Collection method: clinical testing. Allele origin: germline.
Comment: the same text as in the submission from Illumina Laboratory Services, Illumina above.

Illumina Laboratory Services, Illumina
Classification: Benign for Early-onset myopathy with fatal cardiomyopathy. Last evaluated: 2018-01-12. Review status: criteria provided, single submitter. Criteria: ICSL Variant Classification Criteria 13 December 2019. Collection method: clinical testing. Allele origin: germline.
Comment: the same text as in the submission from Illumina Laboratory Services, Illumina above.

Illumina Laboratory Services, Illumina
Classification: Benign for Autosomal recessive limb-girdle muscular dystrophy type 2J. Last evaluated: 2018-01-12. Review status: criteria provided, single submitter. Criteria: ICSL Variant Classification Criteria 13 December 2019. Collection method: clinical testing. Allele origin: germline.
Comment: the same text as in the submission from Illumina Laboratory Services, Illumina above.

Illumina Laboratory Services, Illumina
Classification: Benign for Dilated cardiomyopathy 1G. Last evaluated: 2018-01-12. Review status: criteria provided, single submitter. Criteria: ICSL Variant Classification Criteria 13 December 2019. Collection method: clinical testing. Allele origin: germline.
Comment: the same text as in the submission from Illumina Laboratory Services, Illumina above.

Mayo Clinic Laboratories, Mayo Clinic
Classification: Benign. Last evaluated: 2017-07-24. Review status: criteria provided, single submitter. Criteria: ACMG Guidelines, 2015. Collection method: clinical testing. Allele origin: germline. Observed: 1,028 variant alleles.

Genetic Services Laboratory, University of Chicago
Classification: Benign for AllHighlyPenetrant. Last evaluated: 2013-08-15. Review status: criteria provided, single submitter. Criteria: ACMG Guidelines, 2007. Collection method: clinical testing. Allele origin: germline.

Biesecker Lab/Clinical Genomics Section, National Institutes of Health
Classification: Benign. Last evaluated: 2013-06-24. Review status: criteria provided, single submitter. Criteria: Ng et al. (Circ Cardiovasc Genet. 2013). Collection method: research. Allele origin: unknown. Observed: 263 variant alleles. Study: ClinSeq.
Comment: The study set was not selected for affection status in relation to any cancer. Pathogenicity categories were based on literature curation. See Pubmed ID:23861362 for details.

Medical sequencing

Eurofins Ntd Llc (ga)
Classification: Benign. Last evaluated: 2013-03-04. Review status: criteria provided, single submitter. Criteria: EGL Classification Definitions 2015. Collection method: clinical testing. Allele origin: germline. Observed: 2 variant alleles, 2 heterozygotes.

Ambry Genetics
Classification: Benign for Cardiovascular phenotype. Last evaluated: 2013-01-15. Review status: criteria provided, single submitter. Criteria: Ambry Autosomal Dominant and X-Linked criteria (10/2015). Collection method: clinical testing. Allele origin: germline. Observed: 1 variant allele.

GeneDx
Classification: Benign. Last evaluated: 2012-10-23. Review status: criteria provided, single submitter. Criteria: GeneDx Variant Classification (06012015). Collection method: clinical testing. Allele origin: germline. Affected: yes.
Comment: This variant is considered likely benign or benign based on one or more of the following criteria: it is a conservative change, it occurs at a poorly conserved position in the protein, it is predicted to be benign by multiple in silico algorithms, and/or has population frequency not consistent with disease.

Laboratory for Molecular Medicine, Mass General Brigham Personalized Medicine
Classification: Benign. Last evaluated: 2011-09-16. Review status: criteria provided, single submitter. Criteria: LMM Criteria. Collection method: clinical testing. Allele origin: germline. Observed: 748 variant alleles.

Breakthrough Genomics
Classification: Likely benign. Review status: criteria provided, single submitter. Criteria: ACMG Guidelines, 2015. Collection method: not provided. Allele origin: germline. Inheritance: Autosomal recessive inheritance. Affected: yes.

PreventionGenetics, part of Exact Sciences
Classification: Benign. Review status: criteria provided, single submitter. Criteria: ACMG Guidelines, 2015. Collection method: clinical testing. Allele origin: germline.

Clinical Genetics DNA and cytogenetics Diagnostics Lab, Erasmus MC, Erasmus Medical Center
Classification: Benign. Review status: no assertion criteria provided. Collection method: clinical testing. Allele origin: germline. Affected: yes. Study: VKGL Data-share Consensus. Not counted in ClinVar's aggregate classification.

Clinical Genetics, Academic Medical Center
Classification: Benign. Review status: no assertion criteria provided. Collection method: clinical testing. Allele origin: germline. Affected: yes. Study: VKGL Data-share Consensus. Not counted in ClinVar's aggregate classification.

Joint Genome Diagnostic Labs from Nijmegen and Maastricht, Radboudumc and MUMC+
Classification: Benign. Review status: no assertion criteria provided. Collection method: clinical testing. Allele origin: germline. Affected: yes. Study: VKGL Data-share Consensus. Not counted in ClinVar's aggregate classification.